The following is an entry in ClinVar:

ClinVar aggregate classification (germline): Uncertain significance (1 of 4 stars; one submission).

Conditions:
Wiskott-Aldrich syndrome (WAS). Also called: ALDRICH SYNDROME; IMMUNODEFICIENCY 2; WISKOTT-ALDRICH SYNDROME 1; Wiskott-aldrich syndrome, somatic. Identifiers: Orphanet 906, MedGen C0043194, MONDO:0010518, OMIM 301000.
Thrombocytopenia 1. Also called: X-Linked Thrombocytopenia (XLT); THROMBOCYTOPENIA, X-LINKED, 1; X-linked thrombocytopenia with normal platelets. Identifiers: Orphanet 268322, Orphanet 852, MedGen C1839163, MONDO:0010743, OMIM 313900.
X-linked severe congenital neutropenia (SCNX). Identifiers: Orphanet 86788, MedGen C1845987, MONDO:0010294, OMIM 300299.

Submission:

Labcorp Genetics (formerly Invitae), Labcorp
Classification: Uncertain significance for Wiskott-Aldrich syndrome; X-linked severe congenital neutropenia; Thrombocytopenia 1. Last evaluated: 2022-03-14. Review status: criteria provided, single submitter. Criteria: Invitae Variant Classification Sherloc (09022015). Collection method: clinical testing. Allele origin: germline.
Comment: This variant has not been reported in the literature in individuals affected with WAS-related conditions. This variant is not present in population databases (gnomAD no frequency). This sequence change replaces glutamine, which is neutral and polar, with proline, which is neutral and non-polar, at codon 135 of the WAS protein (p.Gln135Pro). Algorithms developed to predict the effect of missense changes on protein structure and function are either unavailable or do not agree on the potential impact of this missense change (SIFT: "Not Available"; PolyPhen-2: "Possibly Damaging"; Align-GVGD: "Not Available"). In summary, the available evidence is currently insufficient to determine the role of this variant in disease. Therefore, it has been classified as a Variant of Uncertain Significance.

NM_000377.3(WAS):c.404A>C (p.Gln135Pro)

Gene: WAS (WASP actin nucleation promoting factor; plus strand). Cytogenetic location: Xp11.23.
Variant type: single nucleotide variant.
Coding change: c.404A>C on transcript NM_000377.3 (MANE Select); coding-DNA position 404, A replaced by C.
Protein change: p.Gln135Pro; replaces glutamine 135 with proline.
Molecular consequence: missense variant.
Genome position (GRCh38, 1-based): chrX:48,685,777, A>C. VCF-style: chrX-48685777-A-C. GRCh37 (hg19) VCF-style: chrX-48544166-A-C.
Other names: short protein forms Q135P.
Identifiers: ClinVar variation 2111521 (VCV002111521.4), dbSNP rs2519280849, ClinGen allele CA412867754.
Genomic context (GRCh38, chrX:48,685,777, plus strand): 5'-CCCCAAGGTATGTGCAGGACTGCCAAGCGGGGCTGAACTTTGCAGACGAGGACGAGGCCC[A>C]GGCCTTCCGGGCCCTCGTGCAGGAGAAGATACAAAAAAGGAATCAGAGGCAAAGTGGAGG-3'
Protein context (NP_000368.1, residues 125-145): GLNFADEDEA[Gln135Pro]AFRALVQEKI